The following is an entry in ClinVar:

NM_000535.7(PMS2):c.754T>C (p.Cys252Arg)

Gene: PMS2 (PMS1 homolog 2, mismatch repair system component; minus strand). Cytogenetic location: 7p22.1.
Variant type: single nucleotide variant.
Coding change: c.754T>C on transcript NM_000535.7 (MANE Select); coding-DNA position 754, T replaced by C.
Protein change: p.Cys252Arg; replaces cysteine 252 with arginine.
Molecular consequence: missense variant. On other transcripts: 5 prime UTR variant (2), non-coding transcript variant (1).
Genome position (GRCh38, 1-based): chr7:5,997,375, A>G on the plus strand (T>C on the coding strand, the complement: PMS2 is on the minus strand). VCF-style: chr7-5997375-A-G. GRCh37 (hg19) VCF-style: chr7-6037006-A-G.
Other names: c.349T>C, p.Cys117Arg (NM_001322003.2, NM_001322004.2, NM_001322005.2 and 2 more transcripts); c.754T>C, p.Cys252Arg (NM_001322006.2, NM_001322014.2); c.436T>C, p.Cys146Arg (NM_001322007.2, NM_001322008.2); c.-180T>C (NM_001322011.2, NM_001322012.2); c.181T>C, p.Cys61Arg (NM_001322013.2); c.445T>C, p.Cys149Arg (NM_001322015.2); c.754T>C (NM_000535.5); short protein forms C117R, C149R, C61R, C146R, C252R.
Identifiers: ClinVar variation 1509903 (VCV001509903.7), dbSNP rs1784532607, ClinGen allele CA366743705.

ClinVar aggregate classification (germline): Uncertain significance. Review status: criteria provided, multiple submitters, no conflicts (2 of 4 stars). 2 submissions from 2 submitters: Uncertain significance (2). Last evaluated 2026-06-14.

Conditions:
Hereditary cancer-predisposing syndrome. Also called: Tumor predisposition; Neoplastic Syndromes, Hereditary; Hereditary Cancer Syndrome; Hereditary neoplastic syndrome. Identifiers: Orphanet 140162, MedGen C0027672, MeSH D009386, MONDO:0015356.
Hereditary nonpolyposis colorectal neoplasms. Identifiers: MedGen C0009405, MeSH D003123.

Allele frequency attached by ClinVar (database versions not stated): TOPMed below 0.00001.

Submissions (2):

Ambry Genetics
Classification: Uncertain significance for Hereditary cancer-predisposing syndrome. Last evaluated: 2026-06-14. Review status: criteria provided, single submitter. Criteria: Ambry Variant Classification Scheme 2023. Collection method: clinical testing. Allele origin: germline.
Comment: The p.C252R variant (also known as c.754T>C), located in coding exon 7 of the PMS2 gene, results from a T to C substitution at nucleotide position 754. The cysteine at codon 252 is replaced by arginine, an amino acid with highly dissimilar properties. This amino acid position is conserved. In addition, the in silico prediction for this alteration is inconclusive. Based on the available evidence, the clinical significance of this variant remains unclear.

Labcorp Genetics (formerly Invitae), Labcorp
Classification: Uncertain significance for Hereditary nonpolyposis colorectal neoplasms. Last evaluated: 2023-04-08. Review status: criteria provided, single submitter. Criteria: Invitae Variant Classification Sherloc (09022015). Collection method: clinical testing. Allele origin: germline.
Comment: In summary, the available evidence is currently insufficient to determine the role of this variant in disease. Therefore, it has been classified as a Variant of Uncertain Significance. Advanced modeling of protein sequence and biophysical properties (such as structural, functional, and spatial information, amino acid conservation, physicochemical variation, residue mobility, and thermodynamic stability) performed at Invitae indicates that this missense variant is expected to disrupt PMS2 protein function. ClinVar contains an entry for this variant (Variation ID: 1509903). This variant has not been reported in the literature in individuals affected with PMS2-related conditions. This variant is not present in population databases (gnomAD no frequency). This sequence change replaces cysteine, which is neutral and slightly polar, with arginine, which is basic and polar, at codon 252 of the PMS2 protein (p.Cys252Arg).